The following is an entry in ClinVar:

NM_002025.4(AFF2):c.1699G>T (p.Glu567Ter)

Gene: AFF2 (ALF transcription elongation factor 2; plus strand). Cytogenetic location: Xq28.
Variant type: single nucleotide variant.
Coding change: c.1699G>T on transcript NM_002025.4 (MANE Select); coding-DNA position 1699, G replaced by T.
Protein change: p.Glu567Ter; replaces glutamic acid 567 with a stop codon.
Molecular consequence: nonsense.
Genome position (GRCh38, 1-based): chrX:148,955,744, G>T. VCF-style: chrX-148955744-G-T. GRCh37 (hg19) VCF-style: chrX-148037274-G-T.
Other names: NC_000023.10:g.148037274G>T; c.1600G>T, p.Glu534Ter (NM_001169122.2); c.1669G>T, p.Glu557Ter (NM_001169123.2); c.1594G>T, p.Glu532Ter (NM_001169124.2); c.1582G>T, p.Glu528Ter (NM_001169125.2); c.622G>T, p.Glu208Ter (NM_001170628.1); short protein forms E208*, E528*, E532*, E534*, E557*, E567*.
Identifiers: ClinVar variation 3573463 (VCV003573463.4).

ClinVar aggregate classification (germline): Likely pathogenic. Review status: criteria provided, single submitter (1 of 4 stars). 2 submissions from 2 submitters: Likely pathogenic (1). 1 of the submissions does not count toward it. Last evaluated 2025-04-08.

Conditions:
FRAXE. Also called: Fragile XE syndrome; FRAXE Syndrome; FRAXE intellectual disability; Intellectual developmental disorder, X-linked 109; Intellectual disability, X-linked, FRAXE type. Identifiers: Orphanet 100973, MedGen C0751157, MONDO:0010659, OMIM 309548. Disease mechanism: loss of function.

Submissions (3):

Genetics Laboratory, UDIAT-Centre Diagnòstic, Hospital Universitari Parc Tauli
Classification: Likely pathogenic for FRAXE intellectual disability. Last evaluated: 2025-04-08. Review status: criteria provided, single submitter. Criteria: ACMG Guidelines, 2015. Collection method: clinical testing. Allele origin: unknown. Inheritance: X-linked inheritance. Affected: yes.
Comment: PVS1_very strong;PM2_supporting

Department of Endocrinology and Genetics, Fuzhou Children’s Hospital of Fujian Medical University
Classification: Likely pathogenic for FRAXE. Last evaluated: 2025-01-09. Review status: no assertion criteria provided. Collection method: clinical testing. Allele origin: germline. Inheritance: X-linked inheritance. Affected: yes. Observed: 1 hemizygote. Not counted in ClinVar's aggregate classification.
Comment: PVS1+PM2

Dr. Peter K. Rogan Lab, Western University
No classification provided (evidence only). Condition: Thyroid cancer, nonmedullary, 1. Review status: no classification provided. Collection method: in vitro. Allele origin: not applicable. Functional consequence: retained intron. Not counted in ClinVar's aggregate classification.

Literature cited by the submitters: PubMed 39615735 (cited by Department of Endocrinology and Genetics, Fuzhou Children’s Hospital of Fujian Medical University).